The following is an entry in ClinVar:

NM_006231.4(POLE):c.5882G>A (p.Gly1961Glu)

Gene: POLE (DNA polymerase epsilon, catalytic subunit; minus strand). Cytogenetic location: 12q24.33.
Variant type: single nucleotide variant.
Coding change: c.5882G>A on transcript NM_006231.4 (MANE Select); coding-DNA position 5882, G replaced by A.
Protein change: p.Gly1961Glu; replaces glycine 1961 with glutamic acid.
Molecular consequence: missense variant.
Genome position (GRCh38, 1-based): chr12:132,634,308, C>T on the plus strand (G>A on the coding strand, the complement: POLE is on the minus strand). VCF-style: chr12-132634308-C-T. GRCh37 (hg19) VCF-style: chr12-133210894-C-T.
Other names: c.5882G>A (NM_006231.2); short protein forms G1961E.
Identifiers: ClinVar variation 1041238 (VCV001041238.9), dbSNP rs2041992812, ClinGen allele CA387371678.

ClinVar aggregate classification (germline): Conflicting classifications of pathogenicity. Review status: criteria provided, conflicting classifications (1 of 4 stars). 2 submissions from 2 submitters: Uncertain significance (1); Likely benign (1). Last evaluated 2025-10-26.

Conditions:
Hereditary cancer-predisposing syndrome. Also called: Hereditary Cancer Syndrome; Tumor predisposition; Hereditary neoplastic syndrome; Neoplastic Syndromes, Hereditary. Identifiers: Orphanet 140162, MedGen C0027672, MeSH D009386, MONDO:0015356.

Allele frequency attached by ClinVar (database versions not stated): gnomAD exomes below 0.00001.

Submissions (2):

Labcorp Genetics (formerly Invitae), Labcorp
Classification: Uncertain significance. Last evaluated: 2025-10-26. Review status: criteria provided, single submitter. Criteria: Invitae Variant Classification Sherloc (09022015). Collection method: clinical testing. Allele origin: germline.
Comment: This sequence change replaces glycine, which is neutral and non-polar, with glutamic acid, which is acidic and polar, at codon 1961 of the POLE protein (p.Gly1961Glu). This variant is not present in population databases (gnomAD no frequency). This variant has not been reported in the literature in individuals affected with POLE-related conditions. ClinVar contains an entry for this variant (Variation ID: 1041238). An algorithm developed to predict the effect of missense changes on protein structure and function outputs the following: PolyPhen-2: "Benign". The glutamic acid amino acid residue is found in multiple mammalian species, which suggests that this missense change does not adversely affect protein function. In summary, the available evidence is currently insufficient to determine the role of this variant in disease. Therefore, it has been classified as a Variant of Uncertain Significance.

Ambry Genetics
Classification: Likely benign for Hereditary cancer-predisposing syndrome. Last evaluated: 2024-07-29. Review status: criteria provided, single submitter. Criteria: Ambry Variant Classification Scheme 2023. Collection method: clinical testing. Allele origin: germline.